The following is an entry in ClinVar:

ClinVar aggregate classification (germline): Uncertain significance (1 of 4 stars; one submission).

Allele frequency attached by ClinVar (database versions not stated): TOPMed 0.00001.
gnomAD v4.1: 28 of 1,612,450 alleles (0.0017%); highest among the groups gnomAD compares: Non-Finnish European, 0.0024%; no homozygotes.

Submission:

Labcorp Genetics (formerly Invitae), Labcorp
Classification: Uncertain significance. Last evaluated: 2026-01-27. Review status: criteria provided, single submitter. Criteria: Invitae Variant Classification Sherloc (09022015). Collection method: clinical testing. Allele origin: germline.
Comment: This sequence change replaces arginine, which is basic and polar, with cysteine, which is neutral and slightly polar, at codon 585 of the RERE protein (p.Arg585Cys). This variant is present in population databases (no rsID available, gnomAD 0.0009%). This variant has not been reported in the literature in individuals affected with RERE-related conditions. ClinVar contains an entry for this variant (Variation ID: 2868713). Invitae Evidence Modeling of protein sequence and biophysical properties (such as structural, functional, and spatial information, amino acid conservation, physicochemical variation, residue mobility, and thermodynamic stability) has been performed for this missense variant. However, the output from this modeling did not meet the statistical confidence thresholds required to predict the impact of this variant on RERE protein function. In summary, the available evidence is currently insufficient to determine the role of this variant in disease. Therefore, it has been classified as a Variant of Uncertain Significance.

NM_001042681.2(RERE):c.1753C>T (p.Arg585Cys)

Gene: RERE (arginine-glutamic acid dipeptide repeats; minus strand). Cytogenetic location: 1p36.23.
Variant type: single nucleotide variant.
Coding change: c.1753C>T on transcript NM_001042681.2 (MANE Select); coding-DNA position 1753, C replaced by T.
Protein change: p.Arg585Cys; replaces arginine 585 with cysteine.
Molecular consequence: missense variant.
Genome position (GRCh38, 1-based): chr1:8,362,832, G>A on the plus strand (C>T on the coding strand, the complement: RERE is on the minus strand). VCF-style: chr1-8362832-G-A. GRCh37 (hg19) VCF-style: chr1-8422892-G-A.
Other names: c.91C>T, p.Arg31Cys (NM_001042682.2); c.1753C>T, p.Arg585Cys (NM_012102.4); short protein forms R31C, R585C.
Identifiers: ClinVar variation 2868713 (VCV002868713.3), dbSNP rs1359424164, ClinGen allele CA338174067.
Genomic context (GRCh38, chr1:8,362,832, plus strand): 5'-CTTCATTGATGGGTGAGGTGCGACCATCAGGGCTGGCTGGCTGCTTCTTCCGACCACTGC[G>A]TAGTGTCGACATCTGCCCACCCAAACCGAAGACTGGTGACACCAGATTCCCAGTCCCCAT-3'
Protein context (NP_001036146.1, residues 575-595): RRSRGSMSTL[Arg585Cys]SGRKKQPASP